The following is an entry in ClinVar:

NM_004444.5(EPHB4):c.1520T>G (p.Val507Gly)

Gene: EPHB4 (EPH receptor B4; minus strand). Cytogenetic location: 7q22.1.
Variant type: single nucleotide variant.
Coding change: c.1520T>G on transcript NM_004444.5 (MANE Select); coding-DNA position 1520, T replaced by G.
Protein change: p.Val507Gly; replaces valine 507 with glycine.
Molecular consequence: missense variant.
Genome position (GRCh38, 1-based): chr7:100,817,260, A>C on the plus strand (T>G on the coding strand, the complement: EPHB4 is on the minus strand). VCF-style: chr7-100817260-A-C. GRCh37 (hg19) VCF-style: chr7-100414882-A-C.
Other names: short protein forms V507G.
Identifiers: ClinVar variation 1774423 (VCV001774423.3), dbSNP rs2485028317, ClinGen allele CA368572849.

ClinVar aggregate classification (germline): Uncertain significance (1 of 4 stars; one submission).

Conditions:
Cardiovascular phenotype. Identifiers: MedGen CN230736.

Submission:

Ambry Genetics
Classification: Uncertain significance for Cardiovascular phenotype. Last evaluated: 2025-03-25. Review status: criteria provided, single submitter. Criteria: Ambry Variant Classification Scheme 2023. Collection method: clinical testing. Allele origin: germline.
Comment: The p.V507G variant (also known as c.1520T>G), located in coding exon 8 of the EPHB4 gene, results from a T to G substitution at nucleotide position 1520. The valine at codon 507 is replaced by glycine, an amino acid with dissimilar properties. This amino acid position is highly conserved in available vertebrate species. In addition, this alteration is predicted to be deleterious by in silico analysis. Based on the available evidence, the clinical significance of this variant remains unclear.